The following is an entry in ClinVar:

NM_000123.4(ERCC5):c.2589C>T (p.Thr863=)

Genes: BIVM-ERCC5 (BIVM-ERCC5 readthrough; plus strand), ERCC5 (ERCC excision repair 5, endonuclease; plus strand). Cytogenetic location: 13q33.1.
Variant type: single nucleotide variant.
Coding change: c.2589C>T on transcript NM_000123.4 (MANE Select); coding-DNA position 2589, C replaced by T.
Protein change: p.Thr863=; no amino-acid change (threonine 863 retained).
Molecular consequence: synonymous variant.
Genome position (GRCh38, 1-based): chr13:102,868,168, C>T. VCF-style: chr13-102868168-C-T. GRCh37 (hg19) VCF-style: chr13-103520518-C-T.
Other names: c.3951C>T, p.Thr1317= (NM_001204425.2).
Identifiers: ClinVar variation 3388976 (VCV003388976.16).
Genomic context (GRCh38, chr13:102,868,168, plus strand): 5'-TTTAGGATTGGACCGGAATAAGTTAATAAATTTGGCTTATTTGCTTGGAAGTGATTATAC[C>T]GAAGGAATACCAACTGTGGGTTGTGTAACCGCCATGGAAATTCTCAATGAATTCCCTGGG-3'
Protein context (NP_000114.3, residues 853-873): NLAYLLGSDY[Thr863=]EGIPTVGCVT

ClinVar aggregate classification (germline): Likely benign. Review status: criteria provided, multiple submitters, no conflicts (2 of 4 stars). 2 submissions from 2 submitters: Likely benign (2). Last evaluated 2024-12-02.

gnomAD v4.1: 121 of 1,614,024 alleles (0.0075%); highest among the groups gnomAD compares: African/African-American, 0.0093%; no homozygotes.

Submissions (2):

Labcorp Genetics (formerly Invitae), Labcorp
Classification: Likely benign. Last evaluated: 2024-12-02. Review status: criteria provided, single submitter. Criteria: Invitae Variant Classification Sherloc (09022015). Collection method: clinical testing. Allele origin: germline.

CeGaT Center for Human Genetics Tuebingen
Classification: Likely benign. Last evaluated: 2024-11-01. Review status: criteria provided, single submitter. Criteria: CeGaT Center For Human Genetics Tuebingen Variant Classification Criteria Version 2. Collection method: clinical testing. Allele origin: germline. Affected: yes. Observed: 1 variant allele.
Comment: BIVM-ERCC5: BP4, BP7; ERCC5: BP4, BP7